The following is an entry in ClinVar:

ClinVar aggregate classification (germline): Likely pathogenic. Review status: criteria provided, multiple submitters, no conflicts (2 of 4 stars). 2 submissions from 2 submitters: Likely pathogenic (2). Last evaluated 2025-08-21.

Conditions:
SMARCAL1-related disorder. Also called: SMARCAL1-related condition.
Schimke immuno-osseous dysplasia (SIOD). Also called: Schimke Immunoosseous Dysplasia. Identifiers: Orphanet 1830, MedGen C0877024, MONDO:0009458, OMIM 242900.

Submissions (2):

Natera, Inc.
Classification: Likely pathogenic for Schimke immuno-osseous dysplasia. Last evaluated: 2025-08-21. Review status: criteria provided, single submitter. Criteria: Natera Variant Classification Schema (03/2026). Collection method: clinical testing. Allele origin: germline.
Comment: The c.862+1G>A variant in SMARCAL1 is a canonical splice donor site variant predicted to affect pre-mRNA splicing, which may result in an abnormal transcript and altered protein product. This variant is expected to result in nonsense mediated decay, truncation, or a dysfunctional protein product. This variant is rare in the general population with a frequency below the threshold expected for the associated phenotype(s). This variant has been observed in one or more individuals affected with the associated recessive disease, as either homozygous or compound heterozygous with a second variant (PMID: 11799392). Given the available evidence, this variant is classified as Likely Pathogenic.

Blueprint Genetics
Classification: Likely pathogenic for SMARCAL1-related disorders. Last evaluated: 2021-08-11. Review status: criteria provided, single submitter. Criteria: ACMG Guidelines, 2015. Collection method: clinical testing. Allele origin: germline. Affected: yes. Observed: 1 variant allele.

Literature cited by the submitters: PubMed 11799392 (cited by Natera, Inc.).

NM_014140.4(SMARCAL1):c.862+1G>A

Gene: SMARCAL1 (SNF2 related chromatin remodeling annealing helicase 1; plus strand). Cytogenetic location: 2q35.
Variant type: single nucleotide variant.
Coding change: c.862+1G>A on transcript NM_014140.4 (MANE Select); the canonical splice donor site of the intron after coding-DNA position 862, G replaced by A.
Molecular consequence: splice donor variant.
Genome position (GRCh38, 1-based): chr2:216,416,308, G>A. VCF-style: chr2-216416308-G-A. GRCh37 (hg19) VCF-style: chr2-217281031-G-A.
Other names: c.862+1G>A (NM_001127207.2).
Identifiers: ClinVar variation 4815610 (VCV004815610.2).